The following is an entry in ClinVar:

NM_003743.5(NCOA1):c.1555G>A (p.Val519Ile)

Gene: NCOA1 (nuclear receptor coactivator 1; plus strand). Cytogenetic location: 2p23.3.
Variant type: single nucleotide variant.
Coding change: c.1555G>A on transcript NM_003743.5 (MANE Select); coding-DNA position 1555, G replaced by A.
Protein change: p.Val519Ile; replaces valine 519 with isoleucine.
Molecular consequence: missense variant.
Genome position (GRCh38, 1-based): chr2:24,707,025, G>A. VCF-style: chr2-24707025-G-A. GRCh37 (hg19) VCF-style: chr2-24929894-G-A.
Other names: c.1555G>A, p.Val519Ile (NM_001362950.1, NM_001362952.1, NM_001362954.1 and 3 more transcripts); short protein forms V519I.
Identifiers: ClinVar variation 4978813 (VCV004978813.1).

ClinVar aggregate classification (germline): Uncertain significance (1 of 4 stars; one submission).

Conditions:
NCOA1-related disorder. Also called: NCOA1-related condition.

gnomAD v4.1: 64 of 1,613,960 alleles (0.004%); highest among the groups gnomAD compares: East Asian, 0.0089%; no homozygotes.

Submission:

PreventionGenetics, part of Exact Sciences
Classification: Uncertain significance for NCOA1-related condition. Last evaluated: 2026-01-02. Review status: criteria provided, single submitter. Criteria: ACMG Guidelines, 2015. Collection method: clinical testing. Allele origin: germline.
Comment: The NCOA1 c.1555G>A variant is predicted to result in the amino acid substitution p.Val519Ile. To our knowledge, this variant has not been reported in the literature. This variant is reported in 0.0070% of alleles in individuals of European (non-Finnish) descent in gnomAD. At this time, the clinical significance of this variant is uncertain due to the absence of conclusive functional and genetic evidence.